The following is an entry in ClinVar:

NM_000326.5(RLBP1):c.776A>C (p.Lys259Thr)

Gene: RLBP1 (retinaldehyde binding protein 1; minus strand). Cytogenetic location: 15q26.1.
Variant type: single nucleotide variant.
Coding change: c.776A>C on transcript NM_000326.5 (MANE Select); coding-DNA position 776, A replaced by C.
Protein change: p.Lys259Thr; replaces lysine 259 with threonine.
Molecular consequence: missense variant.
Genome position (GRCh38, 1-based): chr15:89,210,718, T>G on the plus strand (A>C on the coding strand, the complement: RLBP1 is on the minus strand). VCF-style: chr15-89210718-T-G. GRCh37 (hg19) VCF-style: chr15-89753949-T-G.
Other names: short protein forms K259T.
Identifiers: ClinVar variation 943296 (VCV000943296.9), dbSNP rs2051530526, ClinGen allele CA393728741.

ClinVar aggregate classification (germline): Uncertain significance (1 of 4 stars; one submission).

Allele frequency attached by ClinVar (database versions not stated): gnomAD exomes below 0.00001.
gnomAD v4.1: 3 of 1,598,984 alleles (0.00019%); highest among the groups gnomAD compares: South Asian, 0.0034%; no homozygotes.

Submission:

Labcorp Genetics (formerly Invitae), Labcorp
Classification: Uncertain significance. Last evaluated: 2025-06-17. Review status: criteria provided, single submitter. Criteria: Invitae Variant Classification Sherloc (09022015). Collection method: clinical testing. Allele origin: germline.
Comment: This sequence change replaces lysine, which is basic and polar, with threonine, which is neutral and polar, at codon 259 of the RLBP1 protein (p.Lys259Thr). This variant is not present in population databases (gnomAD no frequency). This variant has not been reported in the literature in individuals affected with RLBP1-related conditions. ClinVar contains an entry for this variant (Variation ID: 943296). Invitae Evidence Modeling of protein sequence and biophysical properties (such as structural, functional, and spatial information, amino acid conservation, physicochemical variation, residue mobility, and thermodynamic stability) has been performed for this missense variant. However, the output from this modeling did not meet the statistical confidence thresholds required to predict the impact of this variant on RLBP1 protein function. In summary, the available evidence is currently insufficient to determine the role of this variant in disease. Therefore, it has been classified as a Variant of Uncertain Significance.